The following is an entry in ClinVar:

ClinVar aggregate classification (germline): Likely benign. Review status: criteria provided, multiple submitters, no conflicts (2 of 4 stars). 2 submissions from 2 submitters: Likely benign (2). Last evaluated 2024-12-30.

Conditions:
CREBBP-related disorder. Also called: CREBBP-related condition; CREBBP-related disorders.
Rubinstein-Taybi syndrome (RSTS). Identifiers: Orphanet 783, MedGen C0035934, MONDO:0019188.

Allele frequency attached by ClinVar (database versions not stated): ExAC 0.00001; gnomAD exomes 0.00001; TOPMed 0.00003; gnomAD 0.00005; ESP Exome Variant Server 0.00008.
gnomAD v4.1: 17 of 1,611,320 alleles (0.0011%); highest among the groups gnomAD compares: Non-Finnish European, 0.0014%; no homozygotes.

Submissions (2):

PreventionGenetics, part of Exact Sciences
Classification: Likely benign for CREBBP-related condition. Last evaluated: 2024-12-30. Review status: criteria provided, single submitter. Criteria: ACMG Guidelines, 2015. Collection method: clinical testing. Allele origin: germline.
Comment: This variant is classified as likely benign based on ACMG/AMP sequence variant interpretation guidelines (Richards et al. 2015 PMID: 25741868, with internal and published modifications).

Labcorp Genetics (formerly Invitae), Labcorp
Classification: Likely benign for Rubinstein-Taybi syndrome. Last evaluated: 2023-12-11. Review status: criteria provided, single submitter. Criteria: Invitae Variant Classification Sherloc (09022015). Collection method: clinical testing. Allele origin: germline.

NM_004380.3(CREBBP):c.4371T>C (p.Tyr1457=)

Gene: CREBBP (CREB binding lysine acetyltransferase; minus strand). Cytogenetic location: 16p13.3.
Variant type: single nucleotide variant.
Coding change: c.4371T>C on transcript NM_004380.3 (MANE Select); coding-DNA position 4371, T replaced by C.
Protein change: p.Tyr1457=; no amino-acid change (tyrosine 1457 retained).
Molecular consequence: synonymous variant.
Genome position (GRCh38, 1-based): chr16:3,738,582, A>G on the plus strand (T>C on the coding strand, the complement: CREBBP is on the minus strand). VCF-style: chr16-3738582-A-G. GRCh37 (hg19) VCF-style: chr16-3788583-A-G.
Other names: c.4257T>C, p.Tyr1419= (NM_001079846.1); c.4371T>C (NM_004380.2).
Identifiers: ClinVar variation 2166656 (VCV002166656.5), dbSNP rs377694434, ClinGen allele CA7869549.